The following is an entry in ClinVar:

ClinVar aggregate classification (germline): Uncertain significance (1 of 4 stars; one submission).

Conditions:
Epidermolysis bullosa simplex 3, localized or generalized intermediate, with BP230 deficiency (EBS3). Also called: Epidermolysis bullosa simplex due to BP230 deficiency; Epidermolysis bullosa simplex, autosomal recessive 2. Identifiers: Orphanet 412181, MedGen C3809470, MONDO:0014180, OMIM 615425.
Hereditary sensory and autonomic neuropathy type 6. Also called: HSAN VI; Neuropathy, hereditary sensory and autonomic, type VI. Identifiers: Orphanet 314381, MedGen C3539003, MONDO:0013839, OMIM 614653.

Submission:

Labcorp Genetics (formerly Invitae), Labcorp
Classification: Uncertain significance for Epidermolysis bullosa simplex 3, localized or generalized intermediate, with BP230 deficiency; Hereditary sensory and autonomic neuropathy type 6. Last evaluated: 2022-02-07. Review status: criteria provided, single submitter. Criteria: Invitae Variant Classification Sherloc (09022015). Collection method: clinical testing. Allele origin: germline.
Comment: This sequence change replaces leucine, which is neutral and non-polar, with proline, which is neutral and non-polar, at codon 4948 of the DST protein (p.Leu4948Pro). The DST gene has multiple clinically relevant transcripts. This variant occurs in alternate transcript NM_015548.4, and corresponds to NM_001723.5:c.*151777T>C in the primary transcript. This variant is not present in population databases (gnomAD no frequency). In summary, the available evidence is currently insufficient to determine the role of this variant in disease. Therefore, it has been classified as a Variant of Uncertain Significance. Experimental studies and prediction algorithms are not available or were not evaluated, and the functional significance of this variant is currently unknown. This variant has not been reported in the literature in individuals affected with DST-related conditions.

NM_001374736.1(DST):c.22784T>C (p.Leu7595Pro)

Gene: DST (dystonin; minus strand). Cytogenetic location: 6p12.1.
Variant type: single nucleotide variant.
Coding change: c.22784T>C on transcript NM_001374736.1 (MANE Select); coding-DNA position 22784, T replaced by C.
Protein change: p.Leu7595Pro; replaces leucine 7595 with proline.
Molecular consequence: missense variant.
Genome position (GRCh38, 1-based): chr6:56,463,740, A>G on the plus strand (T>C on the coding strand, the complement: DST is on the minus strand). VCF-style: chr6-56463740-A-G. GRCh37 (hg19) VCF-style: chr6-56328538-A-G.
Other names: c.16355T>C, p.Leu5452Pro (NM_001144769.5); c.15941T>C, p.Leu5314Pro (NM_001144770.2); c.22712T>C, p.Leu7571Pro (NM_001374722.1); c.21824T>C, p.Leu7275Pro (NM_001374729.1); c.15566T>C, p.Leu5189Pro (NM_001374730.1); c.22739T>C, p.Leu7580Pro (NM_001374734.1); c.15803T>C, p.Leu5268Pro (NM_001386100.1); c.14843T>C, p.Leu4948Pro (NM_015548.5); and 1 more; short protein forms L4948P, L5268P, L7595P, L5189P, L5314P, L7580P, L7571P, L5274P.
Identifiers: ClinVar variation 2094455 (VCV002094455.4), dbSNP rs2533288503, ClinGen allele CA364505057.
Genomic context (GRCh38, chr6:56,463,740, plus strand): 5'-CGGGGTCGGAAAGCAGCCATACCCTGGCTGGCACCATCTGCTAAAATGAACTTCTCACGC[A>G]GTTCCATGTTTGTCCTTCCTTTGGCTGGGTTATACACACACAACAATGCACACAAAGAAA-3'
Protein context (NP_001361665.1, residues 7585-7605): TIAKGRTNME[Leu7595Pro]REKFILADGA